The following is an entry in ClinVar:

ClinVar aggregate classification (germline): Benign (1 of 4 stars; one submission).

Allele frequency attached by ClinVar (database versions not stated): gnomAD 0.00750 and 0.00792; 1000 Genomes Project 0.01158; gnomAD exomes 0.03305.
gnomAD v4.1: 1,788 of 163,854 alleles (1.1%); highest among the groups gnomAD compares: Non-Finnish European, 1.7%; 6 homozygotes.

Submission:

CeGaT Center for Human Genetics Tuebingen
Classification: Benign. Last evaluated: 2024-02-01. Review status: criteria provided, single submitter. Criteria: CeGaT Center For Human Genetics Tuebingen Variant Classification Criteria Version 2. Collection method: clinical testing. Allele origin: germline. Affected: yes. Observed: 8 variant alleles.
Comment: FOXP1: BS1, BS2

NM_001349338.3(FOXP1):c.*3413T>C

Gene: FOXP1 (forkhead box P1; minus strand). Cytogenetic location: 3p13.
Variant type: single nucleotide variant.
Coding change: c.*3413T>C on transcript NM_001349338.3 (MANE Select); 3413 bases downstream of the stop codon, T replaced by C.
Molecular consequence: 3 prime UTR variant. On other transcripts: non-coding transcript variant (2).
Genome position (GRCh38, 1-based): chr3:70,955,834, A>G on the plus strand (T>C on the coding strand, the complement: FOXP1 is on the minus strand). VCF-style: chr3-70955834-A-G. GRCh37 (hg19) VCF-style: chr3-71004985-A-G.
Other names: c.*3413T>C (NM_001244808.3, NM_001244810.2, NM_001244812.3 and 12 more transcripts).
Identifiers: ClinVar variation 1695077 (VCV001695077.31), dbSNP rs185295985, ClinGen allele CA10616610.